The following is an entry in ClinVar:

ClinVar aggregate classification (germline): Uncertain significance. Review status: criteria provided, multiple submitters, no conflicts (2 of 4 stars). 2 submissions from 2 submitters: Uncertain significance (2). Last evaluated 2025-01-22.

Conditions:
Cystic fibrosis (CF). Also called: MUCOVISCIDOSIS. Identifiers: Orphanet 586, MedGen C0010674, MONDO:0009061, OMIM 219700. Disease mechanism: loss of function.

Submissions (2):

Labcorp Genetics (formerly Invitae), Labcorp
Classification: Uncertain significance for Cystic fibrosis. Last evaluated: 2025-01-22. Review status: criteria provided, single submitter. Criteria: Invitae Variant Classification Sherloc (09022015). Collection method: clinical testing. Allele origin: germline.
Comment: This variant, c.3368_3370del, results in the deletion of 1 amino acid(s) of the CFTR protein (p.Gly1123del), but otherwise preserves the integrity of the reading frame. This variant is present in population databases (rs748359104, gnomAD 0.0009%). This variant has not been reported in the literature in individuals affected with CFTR-related conditions. ClinVar contains an entry for this variant (Variation ID: 3251382). Experimental studies and prediction algorithms are not available or were not evaluated, and the functional significance of this variant is currently unknown. Algorithms developed to predict the effect of sequence changes on RNA splicing suggest that this variant may disrupt the consensus splice site. In summary, the available evidence is currently insufficient to determine the role of this variant in disease. Therefore, it has been classified as a Variant of Uncertain Significance.

Women's Health and Genetics/Laboratory Corporation of America, LabCorp
Classification: Uncertain significance. Last evaluated: 2024-04-10. Review status: criteria provided, single submitter. Criteria: LabCorp Variant Classification Summary - May 2015. Collection method: clinical testing. Allele origin: germline.
Comment: Variant summary: CFTR c.3368_3370delGAG (p.Gly1123del) results in an in-frame deletion that is predicted to remove one amino acids from the encoded protein. Several computational tools predict a significant impact on normal splicing: Two predict the variant abolishes a 3' acceptor site. One predict the variant weakens a 3' acceptor site. One predict the variant no significant impact on splicing. However, these predictions have yet to be confirmed by functional studies. The variant allele was found at a frequency of 4e-06 in 250850 control chromosomes. The available data on variant occurrences in the general population are insufficient to allow any conclusion about variant significance. To our knowledge, no occurrence of c.3368_3370delGAG in individuals affected with Cystic Fibrosis and no experimental evidence demonstrating its impact on protein function have been reported. No submitters have cited clinical-significance assessments for this variant to ClinVar. Based on the evidence outlined above, the variant was classified as uncertain significance.

NM_000492.4(CFTR):c.3368_3370delGAG

Genes: CFTR (CF transmembrane conductance regulator; plus strand), CFTR-AS2 (CFTR antisense RNA 2; minus strand). Cytogenetic location: 7q31.2.
Variant type: Deletion.
Coding change: c.3368_3370delGAG on transcript NM_000492.4 (MANE Select); coding-DNA positions 3368 to 3370, 3 bases deleted (GAG).
Molecular consequence: splice acceptor variant.
Genome position (GRCh38, 1-based): chr7:117,614,613-117,614,615, GAG deleted; deleting any 3 consecutive bases within chr7:117,614,611-117,614,615 gives the same sequence; the c. name uses the placement nearest the transcript's 3' end. VCF-style (leftmost placement, unchanged base first): chr7-117614610-TAGG-T. GRCh37 (hg19) VCF-style: chr7-117254664-TAGG-T.
Identifiers: ClinVar variation 3251382 (VCV003251382.3), dbSNP rs748359104.
Genomic context (GRCh38, chr7:117,614,610, plus strand): 5'-TAAAGTCGTTCACAGAAGAGAGAAATAACATGAGGTTCATTTACGTCTTTTGTGCATCTA[TAGG>T]AGAAGGAGAAGGAAGAGTTGGTATTATCCTGACTTTAGCCATGAATATCATGAGTACATT-3'